The following is an entry in ClinVar:

NM_001291303.3(FAT4):c.2555A>G (p.Asn852Ser)

Gene: FAT4 (FAT atypical cadherin 4; plus strand). Cytogenetic location: 4q28.1.
Variant type: single nucleotide variant.
Coding change: c.2555A>G on transcript NM_001291303.3 (MANE Select); coding-DNA position 2555, A replaced by G.
Protein change: p.Asn852Ser; replaces asparagine 852 with serine.
Molecular consequence: missense variant.
Genome position (GRCh38, 1-based): chr4:125,318,966, A>G. VCF-style: chr4-125318966-A-G. GRCh37 (hg19) VCF-style: chr4-126240121-A-G.
Other names: c.2555A>G, p.Asn852Ser (NM_001291285.3, NM_024582.6); short protein forms N852S.
Identifiers: ClinVar variation 1385254 (VCV001385254.8), dbSNP rs2125941924, ClinGen allele CA358120576.

ClinVar aggregate classification (germline): Uncertain significance (1 of 4 stars; one submission).

Allele frequency attached by ClinVar (database versions not stated): gnomAD exomes below 0.00001.
gnomAD v4.1: 3 of 1,614,208 alleles (0.00019%); highest among the groups gnomAD compares: East Asian, 0.0022%; no homozygotes.

Submission:

Labcorp Genetics (formerly Invitae), Labcorp
Classification: Uncertain significance. Last evaluated: 2022-07-05. Review status: criteria provided, single submitter. Criteria: Invitae Variant Classification Sherloc (09022015). Collection method: clinical testing. Allele origin: germline.
Comment: In summary, the available evidence is currently insufficient to determine the role of this variant in disease. Therefore, it has been classified as a Variant of Uncertain Significance. Advanced modeling of protein sequence and biophysical properties (such as structural, functional, and spatial information, amino acid conservation, physicochemical variation, residue mobility, and thermodynamic stability) performed at Invitae indicates that this missense variant is not expected to disrupt FAT4 protein function. ClinVar contains an entry for this variant (Variation ID: 1385254). This variant has not been reported in the literature in individuals affected with FAT4-related conditions. This variant is not present in population databases (gnomAD no frequency). This sequence change replaces asparagine, which is neutral and polar, with serine, which is neutral and polar, at codon 852 of the FAT4 protein (p.Asn852Ser).